The following is an entry in ClinVar:

NM_003392.7(WNT5A):c.567C>A (p.Gly189=)

Gene: WNT5A (Wnt family member 5A; minus strand). Cytogenetic location: 3p14.3.
Variant type: single nucleotide variant.
Coding change: c.567C>A on transcript NM_003392.7 (MANE Select); coding-DNA position 567, C replaced by A.
Protein change: p.Gly189=; no amino-acid change (glycine 189 retained).
Molecular consequence: synonymous variant.
Genome position (GRCh38, 1-based): chr3:55,474,454, G>T on the plus strand (C>A on the coding strand, the complement: WNT5A is on the minus strand). VCF-style: chr3-55474454-G-T. GRCh37 (hg19) VCF-style: chr3-55508482-G-T.
Other names: c.522C>A, p.Gly174= (NM_001256105.1, NM_001377271.1, NM_001377272.1).
Identifiers: ClinVar variation 3349447 (VCV003349447.1).

ClinVar aggregate classification (germline): Likely benign (0 of 4 stars; one submission).

Conditions:
WNT5A-related disorder. Also called: WNT5A-related condition.

Submission:

PreventionGenetics, part of Exact Sciences
Classification: Likely benign for WNT5A-related condition. Last evaluated: 2024-09-08. Review status: no assertion criteria provided. Collection method: clinical testing. Allele origin: germline.
Comment: This variant is classified as likely benign based on ACMG/AMP sequence variant interpretation guidelines (Richards et al. 2015 PMID: 25741868, with internal and published modifications).